The following is an entry in ClinVar:

ClinVar aggregate classification (germline): Likely benign. Review status: criteria provided, multiple submitters, no conflicts (2 of 4 stars). 3 submissions from 3 submitters: Likely benign (3). Last evaluated 2024-10-29.

Allele frequency attached by ClinVar (database versions not stated): gnomAD 0.00004; gnomAD exomes 0.00004 and 0.00005; ExAC 0.00006; 1000 Genomes Project 30x 0.00016; 1000 Genomes Project 0.00020.
gnomAD v4.1: 83 of 1,612,932 alleles (0.0051%); highest among the groups gnomAD compares: Middle Eastern, 0.016%; no homozygotes.

Submissions (3):

Labcorp Genetics (formerly Invitae), Labcorp
Classification: Likely benign. Last evaluated: 2024-10-29. Review status: criteria provided, single submitter. Criteria: Invitae Variant Classification Sherloc (09022015). Collection method: clinical testing. Allele origin: germline.

Blueprint Genetics
Classification: Likely benign. Last evaluated: 2024-09-23. Review status: criteria provided, single submitter. Criteria: ACMG Guidelines, 2015. Collection method: clinical testing. Allele origin: germline.

CeGaT Center for Human Genetics Tuebingen
Classification: Likely benign. Last evaluated: 2022-04-01. Review status: criteria provided, single submitter. Criteria: CeGaT Center For Human Genetics Tuebingen Variant Classification Criteria Version 2. Collection method: clinical testing. Allele origin: germline. Affected: yes. Observed: 1 variant allele.
Comment: CLCN2: BP4, BP7

NM_004366.6(CLCN2):c.1530G>A (p.Ala510=)

Gene: CLCN2 (chloride voltage-gated channel 2; minus strand). Cytogenetic location: 3q27.1.
Variant type: single nucleotide variant.
Coding change: c.1530G>A on transcript NM_004366.6 (MANE Select); coding-DNA position 1530, G replaced by A.
Protein change: p.Ala510=; no amino-acid change (alanine 510 retained).
Molecular consequence: synonymous variant.
Genome position (GRCh38, 1-based): chr3:184,354,292, C>T on the plus strand (G>A on the coding strand, the complement: CLCN2 is on the minus strand). VCF-style: chr3-184354292-C-T. GRCh37 (hg19) VCF-style: chr3-184072080-C-T.
Other names: c.1479G>A, p.Ala493= (NM_001171087.3); c.1398G>A, p.Ala466= (NM_001171088.3); c.1530G>A, p.Ala510= (NM_001171089.3).
Identifiers: ClinVar variation 1653109 (VCV001653109.33), dbSNP rs142626193, ClinGen allele CA2734048.
Genomic context (GRCh38, chr3:184,354,292, plus strand): 5'-GTGGGCAATCTGGCCTGTGAGCTCGAACACGATCACAGCCGTGGACACTGTGTGTGTCAC[C>T]GCTCCTGCCAGCGCAGCTGCCCCTGGGGACAGTCACACTCAGTCTCCTCAGGGTGCCCAG-3'
Protein context (NP_004357.3, residues 500-520): AVVGAAALAG[Ala510=]VTHTVSTAVI